The following is an entry in ClinVar:

NM_000135.4(FANCA):c.1931A>G (p.Asn644Ser)

Gene: FANCA (FA complementation group A; minus strand). Cytogenetic location: 16q24.3.
Variant type: single nucleotide variant.
Coding change: c.1931A>G on transcript NM_000135.4 (MANE Select); coding-DNA position 1931, A replaced by G.
Protein change: p.Asn644Ser; replaces asparagine 644 with serine.
Molecular consequence: missense variant.
Genome position (GRCh38, 1-based): chr16:89,773,354, T>C on the plus strand (A>G on the coding strand, the complement: FANCA is on the minus strand). VCF-style: chr16-89773354-T-C. GRCh37 (hg19) VCF-style: chr16-89839762-T-C.
Other names: c.1931A>G (NM_000135.2); c.1931A>G, p.Asn644Ser (NM_001286167.3); short protein forms N644S.
Identifiers: ClinVar variation 1009385 (VCV001009385.11), dbSNP rs924548467, ClinGen allele CA397450263.
Genomic context (GRCh38, chr16:89,773,354, plus strand): 5'-ATGGAGGCTCTCAGCTCTCCCAGTGCAGCTGTGAGCTGTCCCAGGGGCTCCTCAGCAGAG[T>C]TGGGTTCTGCCCTCACTCCCAGGGCTGCATCTGTGAGAAGAAGGAAGAAACCAGATGGAA-3'
Protein context (NP_000126.2, residues 634-654): DAALGVRAEP[Asn644Ser]SAEEPLGQLT

ClinVar aggregate classification (germline): Conflicting classifications of pathogenicity. Review status: criteria provided, conflicting classifications (1 of 4 stars). 4 submissions from 4 submitters: Uncertain significance (2); Likely benign (1). 1 of the submissions does not count toward it. Last evaluated 2024-12-22.

Conditions:
Inborn genetic diseases. Identifiers: MedGen C0950123, MeSH D030342.
Fanconi anemia (FA). Also called: Fanconi's anemia. Identifiers: Orphanet 84, MedGen C0015625, MeSH D005199, MONDO:0019391.
Fanconi anemia complementation group A (FANCA). Also called: FANCA-Related Fanconi Anemia; Fanconi anemia, group A. Identifiers: Orphanet 84, MedGen C3469521, MONDO:0009215, OMIM 227650.

Allele frequency attached by ClinVar (database versions not stated): TOPMed 0.00002.
gnomAD v4.1: 1 of 1,551,488 alleles (0.000064%); highest among the groups gnomAD compares: Non-Finnish European, 0.000087%; no homozygotes.

Submissions (4):

Ambry Genetics
Classification: Likely benign for Inborn genetic diseases. Last evaluated: 2024-12-22. Review status: criteria provided, single submitter. Criteria: Ambry Variant Classification Scheme 2023. Collection method: clinical testing. Allele origin: germline.

Fulgent Genetics
Classification: Uncertain significance for Fanconi anemia complementation group A. Last evaluated: 2024-06-12. Review status: criteria provided, single submitter. Criteria: ACMG Guidelines, 2015. Collection method: clinical testing. Allele origin: germline.

Labcorp Genetics (formerly Invitae), Labcorp
Classification: Uncertain significance for Fanconi anemia. Last evaluated: 2022-08-09. Review status: criteria provided, single submitter. Criteria: Invitae Variant Classification Sherloc (09022015). Collection method: clinical testing. Allele origin: germline.
Comment: This sequence change replaces asparagine, which is neutral and polar, with serine, which is neutral and polar, at codon 644 of the FANCA protein (p.Asn644Ser). This variant is not present in population databases (gnomAD no frequency). This variant has not been reported in the literature in individuals affected with FANCA-related conditions. ClinVar contains an entry for this variant (Variation ID: 1009385). Advanced modeling of protein sequence and biophysical properties (such as structural, functional, and spatial information, amino acid conservation, physicochemical variation, residue mobility, and thermodynamic stability) performed at Invitae indicates that this missense variant is not expected to disrupt FANCA protein function. In summary, the available evidence is currently insufficient to determine the role of this variant in disease. Therefore, it has been classified as a Variant of Uncertain Significance.

Natera, Inc.
Classification: Uncertain significance for Fanconi anemia. Last evaluated: 2021-04-26. Review status: no assertion criteria provided. Collection method: clinical testing. Allele origin: germline. Not counted in ClinVar's aggregate classification.